The following is an entry in ClinVar:

ClinVar aggregate classification (germline): Uncertain significance. Review status: criteria provided, multiple submitters, no conflicts (2 of 4 stars). 2 submissions from 2 submitters: Uncertain significance (2). Last evaluated 2022-08-16.

Conditions:
Kufor-Rakeb syndrome (KRS). Also called: PARKINSON DISEASE 9, AUTOSOMAL RECESSIVE, JUVENILE-ONSET. Identifiers: Orphanet 306674, Orphanet 314632, MedGen C1847640, MONDO:0011706, OMIM 606693.
Autosomal recessive spastic paraplegia type 78. Identifiers: Orphanet 513436, MedGen C5567893, MONDO:0014975, OMIM 617225.
Inborn genetic diseases. Identifiers: MedGen C0950123, MeSH D030342.

Allele frequency attached by ClinVar (database versions not stated): gnomAD 0.00001 and 0.00002; gnomAD exomes 0.00003 and 0.00005; ExAC 0.00005; TOPMed 0.00005.
gnomAD v4.1: 71 of 1,613,178 alleles (0.0044%); highest among the groups gnomAD compares: Middle Eastern, 0.016%; no homozygotes.

Submissions (2):

Labcorp Genetics (formerly Invitae), Labcorp
Classification: Uncertain significance for Kufor-Rakeb syndrome; Autosomal recessive spastic paraplegia type 78. Last evaluated: 2022-08-16. Review status: criteria provided, single submitter. Criteria: Invitae Variant Classification Sherloc (09022015). Collection method: clinical testing. Allele origin: germline.
Comment: This sequence change replaces arginine, which is basic and polar, with cysteine, which is neutral and slightly polar, at codon 199 of the ATP13A2 protein (p.Arg199Cys). This variant is present in population databases (rs754074592, gnomAD 0.01%). This variant has not been reported in the literature in individuals affected with ATP13A2-related conditions. ClinVar contains an entry for this variant (Variation ID: 845963). Advanced modeling of protein sequence and biophysical properties (such as structural, functional, and spatial information, amino acid conservation, physicochemical variation, residue mobility, and thermodynamic stability) performed at Invitae indicates that this missense variant is not expected to disrupt ATP13A2 protein function. In summary, the available evidence is currently insufficient to determine the role of this variant in disease. Therefore, it has been classified as a Variant of Uncertain Significance.

Ambry Genetics
Classification: Uncertain significance for Inborn genetic diseases. Last evaluated: 2017-10-06. Review status: criteria provided, single submitter. Criteria: Ambry Variant Classification Scheme 2023. Collection method: clinical testing. Allele origin: germline.
Comment: The p.R199C variant (also known as c.595C>T), located in coding exon 7 of the ATP13A2 gene, results from a C to T substitution at nucleotide position 595. The arginine at codon 199 is replaced by cysteine, an amino acid with highly dissimilar properties. This amino acid position is not well conserved in available vertebrate species, and cysteine is the reference amino acid in other vertebrate species. In addition, this alteration is predicted to be tolerated by in silico analysis. Since supporting evidence is limited at this time, the clinical significance of this alteration remains unclear.

NM_022089.4(ATP13A2):c.595C>T (p.Arg199Cys)

Gene: ATP13A2 (ATPase cation transporting 13A2; minus strand). Cytogenetic location: 1p36.13.
Variant type: single nucleotide variant.
Coding change: c.595C>T on transcript NM_022089.4 (MANE Select); coding-DNA position 595, C replaced by T.
Protein change: p.Arg199Cys; replaces arginine 199 with cysteine.
Molecular consequence: missense variant.
Genome position (GRCh38, 1-based): chr1:17,002,336, G>A on the plus strand (C>T on the coding strand, the complement: ATP13A2 is on the minus strand). VCF-style: chr1-17002336-G-A. GRCh37 (hg19) VCF-style: chr1-17328831-G-A.
Other names: c.580C>T, p.Arg194Cys (NM_001141973.3, NM_001141974.3); short protein forms R194C, R199C.
Identifiers: ClinVar variation 845963 (VCV000845963.6), dbSNP rs754074592, ClinGen allele CA637571.